The following is an entry in ClinVar:

NM_014317.5(PDSS1):c.599G>T (p.Gly200Val)

Gene: PDSS1 (decaprenyl diphosphate synthase subunit 1; plus strand). Cytogenetic location: 10p12.1.
Variant type: single nucleotide variant.
Coding change: c.599G>T on transcript NM_014317.5 (MANE Select); coding-DNA position 599, G replaced by T.
Protein change: p.Gly200Val; replaces glycine 200 with valine.
Molecular consequence: missense variant.
Genome position (GRCh38, 1-based): chr10:26,720,349, G>T. VCF-style: chr10-26720349-G-T. GRCh37 (hg19) VCF-style: chr10-27009278-G-T.
Other names: c.599G>T, p.Gly200Val (NM_001321978.2); c.89G>T, p.Gly30Val (NM_001321979.2); short protein forms G30V, G200V.
Identifiers: ClinVar variation 1377971 (VCV001377971.6), dbSNP rs2132259554, ClinGen allele CA376346526.
Genomic context (GRCh38, chr10:26,720,349, plus strand): 5'-ATGACGTTATTGACGATGCAAGTTCTCGAAGAGGAAAACACACAGTTAATAAGATCTGGG[G>T]TGAAAAGAAGGTATGGTTTTTTGGTTTTTTTAAAATCTCTCTTACTGAATCACACACTTT-3'
Protein context (NP_055132.2, residues 190-210): RGKHTVNKIW[Gly200Val]EKKAVLAGDL

ClinVar aggregate classification (germline): Uncertain significance (1 of 4 stars; one submission).

gnomAD v4.1: 6 of 1,610,072 alleles (0.00037%); highest among the groups gnomAD compares: Non-Finnish European, 0.00051%; no homozygotes.

Submission:

Labcorp Genetics (formerly Invitae), Labcorp
Classification: Uncertain significance. Last evaluated: 2024-10-29. Review status: criteria provided, single submitter. Criteria: Invitae Variant Classification Sherloc (09022015). Collection method: clinical testing. Allele origin: germline.
Comment: This sequence change replaces glycine, which is neutral and non-polar, with valine, which is neutral and non-polar, at codon 200 of the PDSS1 protein (p.Gly200Val). This variant is not present in population databases (gnomAD no frequency). This variant has not been reported in the literature in individuals affected with PDSS1-related conditions. ClinVar contains an entry for this variant (Variation ID: 1377971). Invitae Evidence Modeling of protein sequence and biophysical properties (such as structural, functional, and spatial information, amino acid conservation, physicochemical variation, residue mobility, and thermodynamic stability) indicates that this missense variant is expected to disrupt PDSS1 protein function with a positive predictive value of 80%. In summary, the available evidence is currently insufficient to determine the role of this variant in disease. Therefore, it has been classified as a Variant of Uncertain Significance.